The following is an entry in ClinVar:

ClinVar aggregate classification (germline): Uncertain significance. Review status: criteria provided, multiple submitters, no conflicts (2 of 4 stars). 4 submissions from 4 submitters: Uncertain significance (3). 1 of the submissions does not count toward it. Last evaluated 2025-03-19.

Conditions:
NPHP4-related disorder. Also called: NPHP4-related condition; NPHP4-related disorders. Identifiers: MedGen CN239384.
Nephronophthisis. Also called: Juvenile Nephronophthisis. Identifiers: Orphanet 655, MedGen C0687120, MONDO:0019005, HP:0000090.
Retinal dystrophy. Also called: Inherited retinal dystrophy. Identifiers: Orphanet 71862, MedGen C0854723, MeSH D058499, MONDO:0019118, HP:0000556.
Inborn genetic diseases. Identifiers: MedGen C0950123, MeSH D030342.

Allele frequency attached by ClinVar (database versions not stated): TOPMed 0.00001; gnomAD exomes 0.00002; gnomAD 0.00003; ExAC 0.00005.
gnomAD v4.1: 29 of 1,610,586 alleles (0.0018%); highest among the groups gnomAD compares: South Asian, 0.015%; no homozygotes.

Submissions (4):

PreventionGenetics, part of Exact Sciences
Classification: Uncertain significance for NPHP4-related condition. Last evaluated: 2025-03-19. Review status: criteria provided, single submitter. Criteria: ACMG Guidelines, 2015. Collection method: clinical testing. Allele origin: germline.
Comment: The NPHP4 c.2275C>T variant is predicted to result in the amino acid substitution p.Leu759Phe. To our knowledge, this variant has not been reported in the literature. This variant is reported in 0.010% of alleles in individuals of South Asian descent in gnomAD. At this time, the clinical significance of this variant is uncertain due to the absence of conclusive functional and genetic evidence.

Labcorp Genetics (formerly Invitae), Labcorp
Classification: Uncertain significance for Nephronophthisis. Last evaluated: 2025-02-24. Review status: criteria provided, single submitter. Criteria: Invitae Variant Classification Sherloc (09022015). Collection method: clinical testing. Allele origin: germline.
Comment: This sequence change replaces leucine, which is neutral and non-polar, with phenylalanine, which is neutral and non-polar, at codon 759 of the NPHP4 protein (p.Leu759Phe). This variant is present in population databases (rs749757832, gnomAD 0.01%). This variant has not been reported in the literature in individuals affected with NPHP4-related conditions. ClinVar contains an entry for this variant (Variation ID: 2058318). Invitae Evidence Modeling of protein sequence and biophysical properties (such as structural, functional, and spatial information, amino acid conservation, physicochemical variation, residue mobility, and thermodynamic stability) indicates that this missense variant is expected to disrupt NPHP4 protein function with a positive predictive value of 80%. In summary, the available evidence is currently insufficient to determine the role of this variant in disease. Therefore, it has been classified as a Variant of Uncertain Significance.

Ambry Genetics
Classification: Uncertain significance for Inborn genetic diseases. Last evaluated: 2024-12-30. Review status: criteria provided, single submitter. Criteria: Ambry Variant Classification Scheme 2023. Collection method: clinical testing. Allele origin: germline.

Institute of Human Genetics, Univ. Regensburg, Univ. Regensburg
Classification: Uncertain significance for Retinal dystrophy. Last evaluated: 2022-01-01. Review status: no assertion criteria provided. Criteria: ACMG Guidelines, 2015. Collection method: clinical testing. Allele origin: germline. Affected: yes. Not counted in ClinVar's aggregate classification.

NM_015102.5(NPHP4):c.2275C>T (p.Leu759Phe)

Gene: NPHP4 (nephrocystin 4; minus strand). Cytogenetic location: 1p36.31.
Variant type: single nucleotide variant.
Coding change: c.2275C>T on transcript NM_015102.5 (MANE Select); coding-DNA position 2275, C replaced by T.
Protein change: p.Leu759Phe; replaces leucine 759 with phenylalanine.
Molecular consequence: missense variant. On other transcripts: non-coding transcript variant (1).
Genome position (GRCh38, 1-based): chr1:5,890,897, G>A on the plus strand (C>T on the coding strand, the complement: NPHP4 is on the minus strand). VCF-style: chr1-5890897-G-A. GRCh37 (hg19) VCF-style: chr1-5950957-G-A.
Other names: c.736C>T, p.Leu246Phe (NM_001291593.2); c.739C>T, p.Leu247Phe (NM_001291594.2); c.2275C>T (NM_015102.4, NM_015102.3); short protein forms L759F, L246F, L247F.
Identifiers: ClinVar variation 2058318 (VCV002058318.7), dbSNP rs749757832, ClinGen allele CA554216.